The following is an entry in ClinVar:

ClinVar aggregate classification (germline): Uncertain significance. Review status: criteria provided, multiple submitters, no conflicts (2 of 4 stars). 2 submissions from 2 submitters: Uncertain significance (2). Last evaluated 2025-12-31.

Conditions:
Hereditary cancer-predisposing syndrome. Also called: Hereditary Cancer Syndrome; Tumor predisposition; Neoplastic Syndromes, Hereditary; Hereditary neoplastic syndrome. Identifiers: Orphanet 140162, MedGen C0027672, MeSH D009386, MONDO:0015356.
Gastrointestinal stromal tumor. Also called: Gastrointestinal stromal tumor, somatic; Gastrointestinal stroma tumor. Identifiers: Orphanet 44890, MedGen C0238198, MeSH D046152, MONDO:0011719, OMIM 606764, HP:0100723.

Allele frequency attached by ClinVar (database versions not stated): gnomAD exomes below 0.00001.
gnomAD v4.1: 2 of 1,614,162 alleles (0.00012%); highest among the groups gnomAD compares: Non-Finnish European, 0.00017%; no homozygotes.

Submissions (2):

Labcorp Genetics (formerly Invitae), Labcorp
Classification: Uncertain significance for Gastrointestinal stromal tumor. Last evaluated: 2025-12-31. Review status: criteria provided, single submitter. Criteria: Invitae Variant Classification Sherloc (09022015). Collection method: clinical testing. Allele origin: germline.
Comment: This sequence change replaces serine, which is neutral and polar, with glycine, which is neutral and non-polar, at codon 891 of the KIT protein (p.Ser891Gly). This variant is present in population databases (no rsID available, gnomAD 0.0009%). This variant has not been reported in the literature in individuals affected with KIT-related conditions. ClinVar contains an entry for this variant (Variation ID: 575570). An algorithm developed to predict the effect of missense changes on protein structure and function (PolyPhen-2) suggests that this variant is likely to be disruptive. In summary, the available evidence is currently insufficient to determine the role of this variant in disease. Therefore, it has been classified as a Variant of Uncertain Significance.

Ambry Genetics
Classification: Uncertain significance for Hereditary cancer-predisposing syndrome. Last evaluated: 2025-03-27. Review status: criteria provided, single submitter. Criteria: Ambry Variant Classification Scheme 2023. Collection method: clinical testing. Allele origin: germline.
Comment: The p.S891G variant (also known as c.2671A>G), located in coding exon 19 of the KIT gene, results from an A to G substitution at nucleotide position 2671. The serine at codon 891 is replaced by glycine, an amino acid with similar properties. This amino acid position is not well conserved in available vertebrate species. In addition, this alteration is predicted to be tolerated by in silico analysis. Based on the available evidence, the clinical significance of this variant remains unclear.

NM_000222.3(KIT):c.2671A>G (p.Ser891Gly)

Gene: KIT (KIT proto-oncogene, receptor tyrosine kinase; plus strand). Cytogenetic location: 4q12.
Variant type: single nucleotide variant.
Coding change: c.2671A>G on transcript NM_000222.3 (MANE Select); coding-DNA position 2671, A replaced by G.
Protein change: p.Ser891Gly; replaces serine 891 with glycine.
Molecular consequence: missense variant.
Genome position (GRCh38, 1-based): chr4:54,736,795, A>G. VCF-style: chr4-54736795-A-G. GRCh37 (hg19) VCF-style: chr4-55602961-A-G.
Other names: c.2659A>G, p.Ser887Gly (NM_001093772.2, NM_001385292.1); c.2674A>G, p.Ser892Gly (NM_001385284.1); c.2668A>G, p.Ser890Gly (NM_001385285.1); c.2656A>G, p.Ser886Gly (NM_001385286.1); c.2662A>G, p.Ser888Gly (NM_001385288.1); c.2671A>G, p.Ser891Gly (NM_001385290.1); short protein forms S891G, S887G, S886G, S888G, S890G, S892G.
Identifiers: ClinVar variation 575570 (VCV000575570.12), dbSNP rs1201021287, ClinGen allele CA356913999.